The following is an entry in ClinVar:

NM_004984.4(KIF5A):c.3074T>C (p.Leu1025Pro)

Gene: KIF5A (kinesin family member 5A; plus strand). Cytogenetic location: 12q13.3.
Variant type: single nucleotide variant.
Coding change: c.3074T>C on transcript NM_004984.4 (MANE Select); coding-DNA position 3074, T replaced by C.
Protein change: p.Leu1025Pro; replaces leucine 1025 with proline.
Molecular consequence: missense variant.
Genome position (GRCh38, 1-based): chr12:57,583,154, T>C. VCF-style: chr12-57583154-T-C. GRCh37 (hg19) VCF-style: chr12-57976937-T-C.
Other names: c.2807T>C, p.Leu936Pro (NM_001354705.2); short protein forms L1025P, L936P.
Identifiers: ClinVar variation 2632474 (VCV002632474.4), dbSNP rs2540517952, ClinGen allele CA385517605.
Genomic context (GRCh38, chr12:57,583,154, plus strand): 5'-CCTCCAGGAGTGACCTGCCGTGTGGCTATGAGGCTGAGGACCAGGCCAAGCTTTTCCCTC[T>C]CCACCAAGAGACAGCAGCCAGCTAATCTCCCACACCCACGGCTGCATACCTGCACTTTCA-3'
Protein context (NP_004975.2, residues 1015-1032): EAEDQAKLFP[Leu1025Pro]HQETAAS

ClinVar aggregate classification (germline): Uncertain significance. Review status: criteria provided, multiple submitters, no conflicts (2 of 4 stars). 2 submissions from 2 submitters: Uncertain significance (2). Last evaluated 2023-12-08.

Conditions:
Spastic paraplegia. Identifiers: MedGen C0037772, HP:0001258.
KIF5A-related disorder. Also called: KIF5A-related condition; KIF5A-related disorders.

Submissions (2):

Labcorp Genetics (formerly Invitae), Labcorp
Classification: Uncertain significance for Spastic paraplegia. Last evaluated: 2023-12-08. Review status: criteria provided, single submitter. Criteria: Invitae Variant Classification Sherloc (09022015). Collection method: clinical testing. Allele origin: germline.
Comment: This sequence change replaces leucine, which is neutral and non-polar, with proline, which is neutral and non-polar, at codon 1025 of the KIF5A protein (p.Leu1025Pro). This variant is not present in population databases (gnomAD no frequency). This variant has not been reported in the literature in individuals affected with KIF5A-related conditions. Advanced modeling of protein sequence and biophysical properties (such as structural, functional, and spatial information, amino acid conservation, physicochemical variation, residue mobility, and thermodynamic stability) performed at Invitae indicates that this missense variant is not expected to disrupt KIF5A protein function with a negative predictive value of 95%. In summary, the available evidence is currently insufficient to determine the role of this variant in disease. Therefore, it has been classified as a Variant of Uncertain Significance.

PreventionGenetics, part of Exact Sciences
Classification: Uncertain significance for KIF5A-related condition. Last evaluated: 2023-05-25. Review status: criteria provided, single submitter. Criteria: ACMG Guidelines, 2015. Collection method: clinical testing. Allele origin: germline.
Comment: The KIF5A c.3074T>C variant is predicted to result in the amino acid substitution p.Leu1025Pro. To our knowledge, this variant has not been reported in the literature or in a large population database, indicating this variant is rare. At this time, the clinical significance of this variant is uncertain due to the absence of conclusive functional and genetic evidence.